The following is an entry in ClinVar:

NM_007254.4(PNKP):c.1098G>C (p.Glu366Asp)

Gene: PNKP (polynucleotide kinase 3'-phosphatase; minus strand). Cytogenetic location: 19q13.33.
Variant type: single nucleotide variant.
Coding change: c.1098G>C on transcript NM_007254.4 (MANE Select); coding-DNA position 1098, G replaced by C.
Protein change: p.Glu366Asp; replaces glutamic acid 366 with aspartic acid.
Molecular consequence: missense variant.
Genome position (GRCh38, 1-based): chr19:49,862,213, C>G on the plus strand (G>C on the coding strand, the complement: PNKP is on the minus strand). VCF-style: chr19-49862213-C-G. GRCh37 (hg19) VCF-style: chr19-50365470-C-G.
Other names: short protein forms E366D.
Identifiers: ClinVar variation 452807 (VCV000452807.9), dbSNP rs755340060, ClinGen allele CA309493812.
Genomic context (GRCh38, chr19:49,862,213, plus strand): 5'-TCAGGGCACGCGCACAGGAACAGGACACTTACCCCCAGGGAATCCCACTGCGACAACCAC[C>G]TCCGGGCTGGCGCTCAGGAGGGCCCTGGACTCGGGGAGGCAGAGAGGCCCTGAGCGGGAG-3'
Protein context (NP_009185.2, residues 356-376): ESRALLSASP[Glu366Asp]VVVAVGFPGA

ClinVar aggregate classification (germline): Uncertain significance. Review status: criteria provided, multiple submitters, no conflicts (2 of 4 stars). 4 submissions from 4 submitters: Uncertain significance (4). Last evaluated 2023-09-25.

Conditions:
Inborn genetic diseases. Identifiers: MedGen C0950123, MeSH D030342.
Developmental and epileptic encephalopathy, 12 (DEE12). Identifiers: MedGen C3150988, MONDO:0013389, OMIM 613722.

gnomAD v4.1: 2 of 1,613,436 alleles (0.00012%); no homozygotes.

Submissions (4):

Blueprint Genetics
Classification: Uncertain significance. Last evaluated: 2023-09-25. Review status: criteria provided, single submitter. Criteria: ACMG Guidelines, 2015. Collection method: clinical testing. Allele origin: germline.

Labcorp Genetics (formerly Invitae), Labcorp
Classification: Uncertain significance for Developmental and epileptic encephalopathy, 12. Last evaluated: 2023-08-24. Review status: criteria provided, single submitter. Criteria: Invitae Variant Classification Sherloc (09022015). Collection method: clinical testing. Allele origin: germline.
Comment: This sequence change replaces glutamic acid, which is acidic and polar, with aspartic acid, which is acidic and polar, at codon 366 of the PNKP protein (p.Glu366Asp). This variant is not present in population databases (gnomAD no frequency). This variant has not been reported in the literature in individuals affected with PNKP-related conditions. ClinVar contains an entry for this variant (Variation ID: 452807). Advanced modeling of protein sequence and biophysical properties (such as structural, functional, and spatial information, amino acid conservation, physicochemical variation, residue mobility, and thermodynamic stability) performed at Invitae indicates that this missense variant is not expected to disrupt PNKP protein function. In summary, the available evidence is currently insufficient to determine the role of this variant in disease. Therefore, it has been classified as a Variant of Uncertain Significance.

Ambry Genetics
Classification: Uncertain significance for Inborn genetic diseases. Last evaluated: 2019-05-12. Review status: criteria provided, single submitter. Criteria: Ambry Variant Classification Scheme 2023. Collection method: clinical testing. Allele origin: germline.
Comment: The p.E366D variant (also known as c.1098G>C), located in coding exon 11 of the PNKP gene, results from a G to C substitution at nucleotide position 1098. The glutamic acid at codon 366 is replaced by aspartic acid, an amino acid with highly similar properties. This amino acid position is well conserved in available vertebrate species. In addition, the in silico prediction for this alteration is inconclusive. Since supporting evidence is limited at this time, the clinical significance of this alteration remains unclear.

GeneDx
Classification: Uncertain significance. Last evaluated: 2017-10-27. Review status: criteria provided, single submitter. Criteria: GeneDx Variant Classification (06012015). Collection method: clinical testing. Allele origin: germline. Affected: yes.
Comment: The E366D variant has not been published as a pathogenic variant, nor has it been reported as a benign variant to our knowledge. The E366D variant is not observed in large population cohorts (Lek et al., 2016). This variant is a conservative amino acid substitution, which is not likely to impact secondary protein structure as these residues share similar properties. However, this substitution occurs at a position that is conserved across species, and in silico analysis predicts this variant is probably damaging to the protein structure/function.